The following is an entry in ClinVar:

ClinVar aggregate classification (germline): Uncertain significance (1 of 4 stars; one submission).

gnomAD v4.1: 1 of 1,581,336 alleles (0.000063%); highest among the groups gnomAD compares: Non-Finnish European, 0.000086%; no homozygotes.

Submission:

Women's Health and Genetics/Laboratory Corporation of America, LabCorp
Classification: Uncertain significance. Last evaluated: 2022-04-28. Review status: criteria provided, single submitter. Criteria: LabCorp Variant Classification Summary - May 2015. Collection method: clinical testing. Allele origin: germline.
Comment: Variant summary: KIAA1267 (also known as KANSL1) c.2906C>G (p.Pro969Arg) results in a non-conservative amino acid change located in the PEHE domain (IPR029332) of the encoded protein sequence. Four of five in-silico tools predict a damaging effect of the variant on protein function. The variant was absent in 225660 control chromosomes (gnomAD). The available data on variant occurrences in the general population are insufficient to allow any conclusion about variant significance. To our knowledge, no occurrence of c.2906C>G in individuals affected with Koolen-De Vries Syndrome and no experimental evidence demonstrating its impact on protein function have been reported. No clinical diagnostic laboratories have submitted clinical-significance assessments for this variant to ClinVar after 2014. Based on the evidence outlined above, the variant was classified as uncertain significance.

NM_015443.4(KANSL1):c.2906C>G (p.Pro969Arg)

Gene: KANSL1 (KAT8 regulatory NSL complex subunit 1). Cytogenetic location: 17q21.31.
Variant type: single nucleotide variant.
Coding change: c.2906C>G on transcript NM_015443.4 (MANE Select); coding-DNA position 2906, C replaced by G.
Protein change: p.Pro969Arg; replaces proline 969 with arginine.
Molecular consequence: missense variant.
Genome position (GRCh38, 1-based): chr17:46,032,231, G>C on the plus strand (C>G on the coding strand, the complement: KANSL1 is on the minus strand). VCF-style: chr17-46032231-G-C. GRCh37 (hg19) VCF-style: chr17-44109597-G-C.
Other names: c.2903C>G, p.Pro968Arg (NM_001193465.2); c.2906C>G, p.Pro969Arg (NM_001193466.2, NM_001379198.1); short protein forms P968R, P969R.
Identifiers: ClinVar variation 1696067 (VCV001696067.1), dbSNP rs2077030679, ClinGen allele CA399987192.